The following is an entry in ClinVar:

ClinVar aggregate classification (germline): Pathogenic/Likely pathogenic. Review status: criteria provided, multiple submitters, no conflicts (2 of 4 stars). 16 submissions from 16 submitters: Pathogenic (13); Likely pathogenic (2). 1 of the submissions does not count toward it. Last evaluated 2026-09-16.

Conditions:
ABCC2-related disorder. Also called: ABCC2-related condition.
Dubin-Johnson syndrome (DJS). Also called: Jaundice, Chronic Idiopathic; Hyperbilirubinemia type 2; HYPERBILIRUBINEMIA, DUBIN-JOHNSON TYPE. Identifiers: Orphanet 234, MedGen C0022350, MONDO:0009380, OMIM 237500.

Allele frequency attached by ClinVar (database versions not stated): gnomAD 0.00053 and 0.00051; ExAC 0.00035; ESP Exome Variant Server 0.00100; gnomAD exomes 0.00042 and 0.00056; TOPMed 0.00049.
gnomAD v4.1: 876 of 1,614,084 alleles (0.054%); highest among the groups gnomAD compares: Non-Finnish European, 0.064%; 1 homozygote.

Submissions (16):

GeneDx
Classification: Pathogenic. Last evaluated: 2026-09-16. Review status: criteria provided, single submitter. Criteria: GeneDx Variant Classification Process June 2021. Collection method: clinical testing. Allele origin: germline.
Comment: Nonsense variant predicted to result in protein truncation or nonsense mediated decay in a gene for which loss of function is a known mechanism of disease; This variant is associated with the following publications: (PMID: 31589614, 25525159, 34426522, 31980526, 26822949, 30675866, 10464142, 9185779, 31345219, 36406324, 31544333, 21044052, 39096023, 41659992)

PreventionGenetics, part of Exact Sciences
Classification: Pathogenic for ABCC2-related condition. Last evaluated: 2026-05-13. Review status: criteria provided, single submitter. Criteria: ACMG Guidelines, 2015. Collection method: clinical testing. Allele origin: germline.
Comment: The ABCC2 c.3196C>T variant is predicted to result in premature protein termination (p.Arg1066*). This variant has been reported to be causative for autosomal recessive Dubin-Johnson syndrome (Paulusma et al. 1997. PubMed ID: 9185779; Pacifico et al. 2010. PubMed ID: 21044052; Corpechot et al. 2020. PubMed ID: 31544333). This variant is reported in 0.06% of alleles in individuals of European (Non-Finnish) descent in gnomAD. Nonsense variants in ABCC2 are expected to be pathogenic. This variant is interpreted as pathogenic.

Labcorp Genetics (formerly Invitae), Labcorp
Classification: Pathogenic. Last evaluated: 2025-11-10. Review status: criteria provided, single submitter. Criteria: Invitae Variant Classification Sherloc (09022015). Collection method: clinical testing. Allele origin: germline.
Comment: This sequence change creates a premature translational stop signal (p.Arg1066*) in the ABCC2 gene. It is expected to result in an absent or disrupted protein product. Loss-of-function variants in ABCC2 are known to be pathogenic (PMID: 9185779, 16549534, 16952291). This variant is present in population databases (rs72558199, gnomAD 0.06%), and has an allele count higher than expected for a pathogenic variant. This premature translational stop signal has been observed in individuals with Dubin-Johnson syndrome (PMID: 9185779, 10464142, 21044052). It has also been observed to segregate with disease in related individuals. ClinVar contains an entry for this variant (Variation ID: 31603). Algorithms developed to predict the effect of sequence changes on RNA splicing suggest that this variant may disrupt the consensus splice site. For these reasons, this variant has been classified as Pathogenic.

First Genomix Gene Laboratory, Genetic Diagnostics Department
Classification: Pathogenic for Dubin-Johnson syndrome. Last evaluated: 2025-06-20. Review status: criteria provided, single submitter. Criteria: ACMG Guidelines, 2015. Collection method: clinical testing. Allele origin: germline. Inheritance: Autosomal recessive inheritance. Affected: no. Observed: 1 variant allele.

Mayo Clinic Laboratories, Mayo Clinic
Classification: Pathogenic. Last evaluated: 2025-03-25. Review status: criteria provided, single submitter. Criteria: ACMG Guidelines, 2015. Collection method: clinical testing. Allele origin: germline. Observed: 2 variant alleles.
Comment: PP4, PM2_supporting, PM3_strong, PVS1

Blueprint Genetics
Classification: Pathogenic for ABCC2-related disorders. Last evaluated: 2024-11-21. Review status: criteria provided, single submitter. Criteria: ACMG Guidelines, 2015. Collection method: clinical testing. Allele origin: germline. Affected: yes. Observed: 5 variant alleles.

Dasa
Classification: Pathogenic. Last evaluated: 2024-09-05. Review status: criteria provided, single submitter. Criteria: DASA Assertion Criteria. Collection method: clinical testing. Allele origin: germline.
Comment: NM_000392.5(ABCC2):c.3196C>T (p.Arg1066Ter) introduces a premature termination codon predicted to result in loss of normal protein function. Loss-of-function is an established mechanism of disease for this gene. The variant is present at low frequency in population datasets. Based on the available data, this variant is classified as pathogenic.

Fulgent Genetics
Classification: Pathogenic for Dubin-Johnson syndrome. Last evaluated: 2024-04-02. Review status: criteria provided, single submitter. Criteria: ACMG Guidelines, 2015. Collection method: clinical testing. Allele origin: germline.

Women's Health and Genetics/Laboratory Corporation of America, LabCorp
Classification: Pathogenic for Dubin-Johnson syndrome. Last evaluated: 2024-04-02. Review status: criteria provided, single submitter. Criteria: LabCorp Variant Classification Summary - May 2015. Collection method: clinical testing. Allele origin: germline.
Comment: Variant summary: ABCC2 c.3196C>T (p.Arg1066X) results in a premature termination codon, predicted to cause absence of the protein due to nonsense mediated decay, which is a commonly known mechanism for disease. The variant allele was found at a frequency of 0.00042 in 251482 control chromosomes (gnomAD). c.3196C>T has been reported in the literature in individuals affected with Dubin-Johnson Syndrome (e.g. Paulusma_1997). The following publication has been ascertained in the context of this evaluation (PMID: 9185779). ClinVar contains an entry for this variant (Variation ID: 31603). Based on the evidence outlined above, the variant was classified as pathogenic.

Clinical Genetics Laboratory, Skane University Hospital Lund
Classification: Pathogenic. Last evaluated: 2022-07-13. Review status: criteria provided, single submitter. Criteria: ACMG Guidelines, 2015. Collection method: clinical testing. Allele origin: germline. Affected: yes.

CeGaT Center for Human Genetics Tuebingen
Classification: Pathogenic. Last evaluated: 2019-12-01. Review status: criteria provided, single submitter. Criteria: CeGaT Center For Human Genetics Tuebingen Variant Classification Criteria Version 2. Collection method: clinical testing. Allele origin: germline. Affected: yes. Observed: 1 variant allele.

Eurofins Ntd Llc (ga)
Classification: Pathogenic. Last evaluated: 2018-06-22. Review status: criteria provided, single submitter. Criteria: EGL ClinVar v180209 classification definitions. Collection method: clinical testing. Allele origin: germline. Observed: 17 variant alleles, 14 heterozygotes, 3 homozygotes.

Illumina Laboratory Services, Illumina
Classification: Likely pathogenic for Dubin-Johnson syndrome. Last evaluated: 2017-04-27. Review status: criteria provided, single submitter. Criteria: ICSL Variant Classification Criteria 09 May 2019. Collection method: clinical testing. Allele origin: germline.
Comment: The ABCC2 c.3196C>T (p.Arg1066Ter) variant is a stop-gained variant that is predicted to result in a premature termination of the protein. The p.Arg1066Ter variant has been reported in two studies in which it is found in a total of three individuals with Dubin-Johnson syndrome including in one in a homozygous state and in two siblings in a compound heterozygous state (Paulusma et al. 1997; Pacifico et al. 2010). Control data are unavailable for this variant, which is reported at a frequency 0.00139 in the European American population of the Exome Sequencing Project. Based on the potential impact of stop-gained variants and the evidence from the literature, the p.Arg1066Ter variant is classified as likely pathogenic for Dubin-Johnson syndrome. This variant was observed by ICSL as part of a predisposition screen in an ostensibly healthy population.

Juno Genomics, Hangzhou Juno Genomics, Inc
Classification: Pathogenic for Dubin-Johnson syndrome. Review status: criteria provided, single submitter. Criteria: ACMG Guidelines, 2015. Collection method: clinical testing. Allele origin: germline.
Comment: Absent from controls (or at extremely low frequency if recessive) in Genome Aggregation Database.;Null variant in a gene where loss of function (LOF) is a known mechanism of disease.;For recessive disorders, detected in trans with a pathogenic variant.;Co-segregation with disease in multiple affected family members.

Neuberg Centre For Genomic Medicine, NCGM
Classification: Likely pathogenic for Dubin-Johnson syndrome. Review status: criteria provided, single submitter. Criteria: ACMG Guidelines, 2015. Collection method: clinical testing. Allele origin: germline. Inheritance: Autosomal recessive inheritance. Affected: yes.
Comment: The ABCC2 c.3196C>T (p.Arg1066Ter) variant is a stop-gained variant that is predicted to result in a premature termination of the protein. The p.Arg1066Ter variant has been reported in two studies in which it is found in a total of three individuals with Dubin-Johnson syndrome including in one in a homozygous state and in two siblings in a compound heterozygous state (Paulusma et al. 1997; Pacifico et al. 2010). The p.Arg1066Ter variant is reported with the allele frequency of 0.04% in gnomAD Exome and is novel (not in any individuals) in 1000 GenomesThis variant has been reported to the ClinVar database as Pathogenic/Likely_pathogenic with a status of criteria provided, multiple submitters, no conflicts. The nucleotide change in ABCC2 is predicted as conserved by GERP++ and PhyloP across 100 vertebrates. For these reasons, this variant has been classified as Likely pathogenic.

OMIM
Classification: Pathogenic for DUBIN-JOHNSON SYNDROME. Last evaluated: 2010-12-01. Review status: no assertion criteria provided. Collection method: literature only. Allele origin: germline. Not counted in ClinVar's aggregate classification.

Literature cited by the submitters: PubMed 9185779 (cited by 5 submitters); PubMed 16549534 (cited by Labcorp Genetics (formerly Invitae), Labcorp and Mayo Clinic Laboratories, Mayo Clinic); PubMed 16952291 (cited by Labcorp Genetics (formerly Invitae), Labcorp and Mayo Clinic Laboratories, Mayo Clinic); PubMed 10464142 (cited by 3 submitters); PubMed 21044052 (cited by 5 submitters); PubMed 12087194 (cited by Mayo Clinic Laboratories, Mayo Clinic); PubMed 31345219 (cited by Mayo Clinic Laboratories, Mayo Clinic); PubMed 31544333 (cited by Mayo Clinic Laboratories, Mayo Clinic); PubMed 31589614 (cited by Mayo Clinic Laboratories, Mayo Clinic); PubMed 31980526 (cited by Mayo Clinic Laboratories, Mayo Clinic); PubMed 36406324 (cited by Mayo Clinic Laboratories, Mayo Clinic); PubMed 39096023 (cited by Mayo Clinic Laboratories, Mayo Clinic).

NM_000392.5(ABCC2):c.3196C>T (p.Arg1066Ter)

Gene: ABCC2 (ATP binding cassette subfamily C member 2; plus strand). Cytogenetic location: 10q24.2.
Variant type: single nucleotide variant.
Coding change: c.3196C>T on transcript NM_000392.5 (MANE Select); coding-DNA position 3196, C replaced by T.
Protein change: p.Arg1066Ter; replaces arginine 1066 with a stop codon.
Molecular consequence: nonsense.
Genome position (GRCh38, 1-based): chr10:99,832,069, C>T. VCF-style: chr10-99832069-C-T. GRCh37 (hg19) VCF-style: chr10-101591826-C-T.
Other names: p.Arg1066*; c.3196C>T, p.Arg1066Ter (LRG_1208t1); c.3196C>T (NM_000392.4); short protein forms R1066*.
Identifiers: ClinVar variation 31603 (VCV000031603.69), dbSNP rs72558199, ClinGen allele CA129838.